The following is an entry in ClinVar:

NM_006231.4(POLE):c.2132C>A (p.Ser711Tyr)

Gene: POLE (DNA polymerase epsilon, catalytic subunit; minus strand). Cytogenetic location: 12q24.33.
Variant type: single nucleotide variant.
Coding change: c.2132C>A on transcript NM_006231.4 (MANE Select); coding-DNA position 2132, C replaced by A.
Protein change: p.Ser711Tyr; replaces serine 711 with tyrosine.
Molecular consequence: missense variant.
Genome position (GRCh38, 1-based): chr12:132,668,397, G>T on the plus strand (C>A on the coding strand, the complement: POLE is on the minus strand). VCF-style: chr12-132668397-G-T. GRCh37 (hg19) VCF-style: chr12-133244983-G-T.
Other names: short protein forms S711Y.
Identifiers: ClinVar variation 1422633 (VCV001422633.8), dbSNP rs2135974984, ClinGen allele CA387353759.
Genomic context (GRCh38, chr12:132,668,397, plus strand): 5'-ACCATGCCCAGGCACTCACCCGCCAGCCTTCTCTTCTCGTATTTCGCCTGTTCCTCGCGG[G>T]ACAGTTCATGAAAGGCCCGAGCTGGCCCCTCTGGGAACAAGGGGGGGAACTTCTCTGACT-3'
Protein context (NP_006222.2, residues 701-721): EGPARAFHEL[Ser711Tyr]REEQAKYEKR

ClinVar aggregate classification (germline): Uncertain significance (1 of 4 stars; one submission).

Submission:

Labcorp Genetics (formerly Invitae), Labcorp
Classification: Uncertain significance. Last evaluated: 2020-12-31. Review status: criteria provided, single submitter. Criteria: Invitae Variant Classification Sherloc (09022015). Collection method: clinical testing. Allele origin: germline.
Comment: In summary, the available evidence is currently insufficient to determine the role of this variant in disease. Therefore, it has been classified as a Variant of Uncertain Significance. Algorithms developed to predict the effect of missense changes on protein structure and function are either unavailable or do not agree on the potential impact of this missense change (SIFT: "Deleterious"; PolyPhen-2: "Possibly Damaging"; Align-GVGD: "Class C15"). This variant has not been reported in the literature in individuals with POLE-related conditions. This variant is not present in population databases (ExAC no frequency). This sequence change replaces serine with tyrosine at codon 711 of the POLE protein (p.Ser711Tyr). The serine residue is moderately conserved and there is a large physicochemical difference between serine and tyrosine.